The following is an entry in ClinVar:

NM_000138.5(FBN1):c.1287dup (p.Pro430fs)

Gene: FBN1 (fibrillin 1; minus strand). Cytogenetic location: 15q21.1.
Variant type: Duplication.
Coding change: c.1287dup on transcript NM_000138.5 (MANE Select); coding-DNA position 1287, one base duplicated (A; older notation c.1287dupA).
Protein change: p.Pro430fs; shifts the reading frame from proline 430.
Molecular consequence: frameshift variant.
Genome position (GRCh38, 1-based): chr15:48,516,223, T duplicated on the plus strand (A on the coding strand, the reverse complement: FBN1 is on the minus strand). VCF-style (leftmost placement, unchanged base first): chr15-48516222-G-GT. GRCh37 (hg19) VCF-style: chr15-48808419-G-GT.
Other names: c.1287dupA (NM_000138.4); short protein forms P430fs.
Identifiers: ClinVar variation 457159 (VCV000457159.9), dbSNP rs1555400410, ClinGen allele CA658656495.

ClinVar aggregate classification (germline): Pathogenic (1 of 4 stars; one submission).

Conditions:
Marfan syndrome (MFS). Also called: MARFAN SYNDROME, TYPE I; FBN1-Related Marfan Syndrome; Marfan syndrome type 1; Marfan's syndrome; Marfan syndrome, classic. Identifiers: Orphanet 284963, Orphanet 558, MedGen C0024796, MONDO:0007947, OMIM 154700.
Familial thoracic aortic aneurysm and aortic dissection (TAAD). Also called: Thoracic aortic aneurysms and dissections. Identifiers: Orphanet 91387, MedGen C4707243, MONDO:0019625.

Submission:

Labcorp Genetics (formerly Invitae), Labcorp
Classification: Pathogenic for Marfan syndrome; Familial thoracic aortic aneurysm and aortic dissection. Last evaluated: 2019-10-03. Review status: criteria provided, single submitter. Criteria: Invitae Variant Classification Sherloc (09022015). Collection method: clinical testing. Allele origin: germline.
Comment: For these reasons, this variant has been classified as Pathogenic. Loss-of-function variants in FBN1 are known to be pathogenic (PMID: 17657824, 19293843). This variant has not been reported in the literature in individuals with FBN1-related disease. This variant is not present in population databases (ExAC no frequency). This sequence change creates a premature translational stop signal (p.Pro430Thrfs*22) in the FBN1 gene. It is expected to result in an absent or disrupted protein product.

Literature cited by the submitters: PubMed 17657824; PubMed 19293843.